The following is an entry in ClinVar:

NM_000260.4(MYO7A):c.4510C>T (p.Gln1504Ter)

Gene: MYO7A (myosin VIIA; plus strand). Cytogenetic location: 11q13.5.
Variant type: single nucleotide variant.
Coding change: c.4510C>T on transcript NM_000260.4 (MANE Select); coding-DNA position 4510, C replaced by T.
Protein change: p.Gln1504Ter; replaces glutamine 1504 with a stop codon.
Molecular consequence: nonsense.
Genome position (GRCh38, 1-based): chr11:77,198,563, C>T. VCF-style: chr11-77198563-C-T. GRCh37 (hg19) VCF-style: chr11-76909608-C-T.
Other names: c.4510C>T, p.Gln1504Ter (NM_001127180.2); c.4477C>T, p.Gln1493Ter (NM_001369365.1); short protein forms Q1493*, Q1504*.
Identifiers: ClinVar variation 2735711 (VCV002735711.5), dbSNP rs1956843263, ClinGen allele CA381950345.

ClinVar aggregate classification (germline): Pathogenic. Review status: criteria provided, multiple submitters, no conflicts (2 of 4 stars). 3 submissions from 3 submitters: Pathogenic (3). Last evaluated 2025-05-02.

Conditions:
Retinal dystrophy. Also called: Inherited retinal dystrophy. Identifiers: Orphanet 71862, MedGen C0854723, MeSH D058499, MONDO:0019118, HP:0000556.
Usher syndrome type 1 (USH1). Also called: RETINITIS PIGMENTOSA AND CONGENITAL DEAFNESS. Identifiers: Orphanet 231169, Orphanet 886, MedGen C1568247, MONDO:0010168, OMIM 276900.

Allele frequency attached by ClinVar (database versions not stated): gnomAD exomes below 0.00001; gnomAD 0.00001.
gnomAD v4.1: 2 of 1,613,804 alleles (0.00012%); highest among the groups gnomAD compares: Non-Finnish European, 0.00017%; no homozygotes.

Submissions (3):

Institute of Medical Genetics and Applied Genomics, University Hospital Tübingen
Classification: Pathogenic for Usher syndrome type 1. Last evaluated: 2025-05-02. Review status: criteria provided, single submitter. Criteria: ACMG Guidelines, 2015. Collection method: clinical testing. Allele origin: germline. Inheritance: Autosomal recessive inheritance. Affected: yes.

Labcorp Genetics (formerly Invitae), Labcorp
Classification: Pathogenic. Last evaluated: 2024-04-22. Review status: criteria provided, single submitter. Criteria: Invitae Variant Classification Sherloc (09022015). Collection method: clinical testing. Allele origin: germline.
Comment: This sequence change creates a premature translational stop signal (p.Gln1504*) in the MYO7A gene. It is expected to result in an absent or disrupted protein product. Loss-of-function variants in MYO7A are known to be pathogenic (PMID: 8900236, 25404053). This variant is not present in population databases (gnomAD no frequency). This premature translational stop signal has been observed in individual(s) with Usher syndrome (PMID: 26791358). For these reasons, this variant has been classified as Pathogenic.

Institute of Human Genetics, Univ. Regensburg, Univ. Regensburg
Classification: Pathogenic for Retinal dystrophy. Last evaluated: 2023-01-01. Review status: criteria provided, single submitter. Criteria: ACMG Guidelines, 2015. Collection method: clinical testing. Allele origin: germline. Affected: yes.

Literature cited by the submitters: PubMed 8900236 (cited by Labcorp Genetics (formerly Invitae), Labcorp); PubMed 25404053 (cited by Labcorp Genetics (formerly Invitae), Labcorp); PubMed 26791358 (cited by Labcorp Genetics (formerly Invitae), Labcorp and Institute of Human Genetics, Univ. Regensburg, Univ. Regensburg).